The following is an entry in ClinVar:

NM_021012.5(KCNJ12):c.231C>T (p.Asp77=)

Gene: KCNJ12 (potassium inwardly rectifying channel subfamily J member 12; plus strand). Cytogenetic location: 17p11.2.
Variant type: single nucleotide variant.
Coding change: c.231C>T on transcript NM_021012.5 (MANE Select); coding-DNA position 231, C replaced by T.
Protein change: p.Asp77=; no amino-acid change (aspartic acid 77 retained).
Molecular consequence: synonymous variant.
Genome position (GRCh38, 1-based): chr17:21,415,573, C>T. VCF-style: chr17-21415573-C-T. GRCh37 (hg19) VCF-style: chr17-21318885-C-T.
Identifiers: ClinVar variation 3029931 (VCV003029931.2), dbSNP rs1205250731, ClinGen allele CA499054921.

ClinVar aggregate classification (germline): Likely benign (0 of 4 stars; one submission).

Conditions:
KCNJ12-related disorder. Also called: KCNJ12-related condition.

Allele frequency attached by ClinVar (database versions not stated): gnomAD exomes 0.00001.

Submission:

PreventionGenetics, part of Exact Sciences
Classification: Likely benign for KCNJ12-related condition. Last evaluated: 2022-07-16. Review status: no assertion criteria provided. Collection method: clinical testing. Allele origin: germline.
Comment: This variant is classified as likely benign based on ACMG/AMP sequence variant interpretation guidelines (Richards et al. 2015 PMID: 25741868, with internal and published modifications).